The following is an entry in ClinVar:

NM_000321.3(RB1):c.1895C>T (p.Ala632Val)

Gene: RB1 (RB transcriptional corepressor 1; plus strand). Cytogenetic location: 13q14.2.
Variant type: single nucleotide variant.
Coding change: c.1895C>T on transcript NM_000321.3 (MANE Select); coding-DNA position 1895, C replaced by T.
Protein change: p.Ala632Val; replaces alanine 632 with valine.
Molecular consequence: missense variant.
Genome position (GRCh38, 1-based): chr13:48,456,284, C>T. VCF-style: chr13-48456284-C-T. GRCh37 (hg19) VCF-style: chr13-49030420-C-T.
Other names: c.1895C>T, p.Ala632Val (NM_001407165.1); short protein forms A632V.
Identifiers: ClinVar variation 3943368 (VCV003943368.2).
Genomic context (GRCh38, chr13:48,456,284, plus strand): 5'-CTCCAAAGAAAAAAGGTTCAACTACGCGTGTAAATTCTACTGCAAATGCAGAGACACAAG[C>T]AACCTCAGCCTTCCAGACCCAGAAGCCATTGAAATCTACCTCTCTTTCACTGTTTTATAA-3'
Protein context (NP_000312.2, residues 622-642): VNSTANAETQ[Ala632Val]TSAFQTQKPL

ClinVar aggregate classification (germline): Uncertain significance. Review status: criteria provided, multiple submitters, no conflicts (2 of 4 stars). 2 submissions from 2 submitters: Uncertain significance (2). Last evaluated 2025-06-06.

Conditions:
Hereditary cancer-predisposing syndrome. Also called: Tumor predisposition; Hereditary neoplastic syndrome; Hereditary Cancer Syndrome; Neoplastic Syndromes, Hereditary. Identifiers: Orphanet 140162, MedGen C0027672, MeSH D009386, MONDO:0015356.
Retinoblastoma (RB1). Also called: RETINOBLASTOMA, SOMATIC. Identifiers: Orphanet 790, MedGen C0035335, MeSH D012175, MONDO:0008380, OMIM 180200, HP:0009919. Disease mechanism: loss of function. Inheritance: Both sporadic and heritable forms are tested..

gnomAD v4.1: 4 of 1,614,220 alleles (0.00025%); highest among the groups gnomAD compares: Non-Finnish European, 0.00034%; no homozygotes.

Submissions (2):

Ambry Genetics
Classification: Uncertain significance for Hereditary cancer-predisposing syndrome. Last evaluated: 2025-06-06. Review status: criteria provided, single submitter. Criteria: Ambry Variant Classification Scheme 2023. Collection method: clinical testing. Allele origin: germline.
Comment: The p.A632V variant (also known as c.1895C>T), located in coding exon 19 of the RB1 gene, results from a C to T substitution at nucleotide position 1895. The alanine at codon 632 is replaced by valine, an amino acid with similar properties. This amino acid position is conserved. In addition, this alteration is predicted to be tolerated by in silico analysis. Based on the available evidence, the clinical significance of this variant remains unclear.

Revvity Omics, Revvity
Classification: Uncertain significance for Retinoblastoma. Last evaluated: 2024-05-23. Review status: criteria provided, single submitter. Criteria: ACMG Guidelines, 2015. Collection method: clinical testing. Allele origin: germline.